The following is an entry in ClinVar:

ClinVar aggregate classification (germline): Pathogenic (1 of 4 stars; one submission).

Conditions:
Neonatal severe primary hyperparathyroidism. Identifiers: Orphanet 417, MedGen C1832615, MONDO:0009397, OMIM 239200.

Submission:

Women's Health and Genetics/Laboratory Corporation of America, LabCorp
Classification: Pathogenic for Neonatal severe primary hyperparathyroidism. Last evaluated: 2025-10-07. Review status: criteria provided, single submitter. Criteria: LabCorp Variant Classification Summary - May 2015. Collection method: clinical testing. Allele origin: germline.
Comment: Variant summary: CASR c.1031_1034delinsT (p.His344_Asn345delinsLeu) results in an in-frame deletion-insertion that is predicted to delete 2 amino acids from the protein and also insert a different amino acid. The variant was absent in 282748 control chromosomes (gnomAD). c.1031_1034delinsT has been observed in 2 homozygous individuals affected with Neonatal Severe Hyperparathyroidism, as well as their heterozygous parents with Familial Hypocalciuric Hypercalcemia (Dong_2010). These data indicate that the variant is very likely to be associated with disease. At least one publication reports experimental evidence evaluating an impact on protein function, finding that the variant reduces CASR cell surface expression and causes functional impairment (Dong_2010). The following publication has been ascertained in the context of this evaluation (PMID: 20631026). No submitters have cited clinical-significance assessments for this variant to ClinVar. Based on the evidence outlined above, the variant was classified as pathogenic.

Literature cited by the submitters: PubMed 20631026.

NM_000388.4(CASR):c.1031_1034delinsT (p.His344_Asn345delinsLeu)

Gene: CASR (calcium sensing receptor; plus strand). Cytogenetic location: 3q21.1.
Variant type: Indel.
Coding change: c.1031_1034delinsT on transcript NM_000388.4 (MANE Select); coding-DNA positions 1031 to 1034, ACAA replaced by T.
Protein change: p.His344_Asn345delinsLeu.
Molecular consequence: inframe indel.
Genome position (GRCh38, 1-based): chr3:122,262,066-122,262,069, ACAA replaced by T. VCF-style: chr3-122262066-ACAA-T. GRCh37 (hg19) VCF-style: chr3-121980913-ACAA-T.
Other names: c.1031_1034delinsT, p.His344_Asn345delinsLeu (NM_001178065.2).
Identifiers: ClinVar variation 4687520 (VCV004687520.1).
Genomic context (GRCh38, chr3:122,262,066, plus strand): 5'-CTGGGCAGATCCCAGGCTTCCGGGAATTCCTGAAGAAGGTCCATCCCAGGAAGTCTGTCC[ACAA>T]TGGTTTTGCCAAGGAGTTTTGGGAAGAAACATTTAACTGCCACCTCCAAGAAGGTGCAAA-3'